The following is an entry in ClinVar:

NM_033380.3(COL4A5):c.3256G>C (p.Gly1086Arg)

Gene: COL4A5 (collagen type IV alpha 5 chain; plus strand). Cytogenetic location: Xq22.3.
Variant type: single nucleotide variant.
Coding change: c.3256G>C on transcript NM_033380.3 (MANE Select); coding-DNA position 3256, G replaced by C.
Protein change: p.Gly1086Arg; replaces glycine 1086 with arginine.
Molecular consequence: missense variant.
Genome position (GRCh38, 1-based): chrX:108,655,340, G>C. VCF-style: chrX-108655340-G-C. GRCh37 (hg19) VCF-style: chrX-107898570-G-C.
Other names: c.3256G>C, p.Gly1086Arg (NM_000495.5); short protein forms G1086R.
Identifiers: ClinVar variation 24613 (VCV000024613.10), dbSNP rs104886231, ClinGen allele CA258844.

ClinVar aggregate classification (germline): Pathogenic (1 of 4 stars; one submission).

Submission:

Labcorp Genetics (formerly Invitae), Labcorp
Classification: Pathogenic. Last evaluated: 2020-01-03. Review status: criteria provided, single submitter. Criteria: Invitae Variant Classification Sherloc (09022015). Collection method: clinical testing. Allele origin: germline.
Comment: Glycine residues within the Gly-Xaa-Yaa repeats of the triple helix domain are required for the structure and stability of fibrillar collagens (PMID: 7695699, 8218237, 19344236). In COL4A5, missense variants at these glycine residues are significantly enriched in individuals with disease (PMID: 23720012, 27627812) compared to the general population (ExAC). For these reasons, this variant has been classified as Pathogenic. This variant has been observed in individual(s) with Alport syndrome (PMID: 17660027, Invitae). ClinVar contains an entry for this variant (Variation ID: 24613). This variant is not present in population databases (ExAC no frequency). This sequence change replaces glycine with arginine at codon 1086 of the COL4A5 protein (p.Gly1086Arg). The glycine residue is highly conserved and there is a moderate physicochemical difference between glycine and arginine.

Literature cited by the submitters: PubMed 7695699; PubMed 8218237; PubMed 19344236; PubMed 23720012; PubMed 27627812; PubMed 17660027.